The following is an entry in ClinVar:

NM_012123.4(MTO1):c.994G>A (p.Val332Ile)

Gene: MTO1 (mitochondrial tRNA translation optimization 1; plus strand). Cytogenetic location: 6q13.
Variant type: single nucleotide variant.
Coding change: c.994G>A on transcript NM_012123.4 (MANE Select); coding-DNA position 994, G replaced by A.
Protein change: p.Val332Ile; replaces valine 332 with isoleucine.
Molecular consequence: missense variant.
Genome position (GRCh38, 1-based): chr6:73,479,991, G>A. VCF-style: chr6-73479991-G-A. GRCh37 (hg19) VCF-style: chr6-74189714-G-A.
Other names: c.994G>A, p.Val332Ile (NM_001123226.2, NM_133645.3); short protein forms V332I.
Identifiers: ClinVar variation 971633 (VCV000971633.8), dbSNP rs1173140501, ClinGen allele CA364714678.

ClinVar aggregate classification (germline): Uncertain significance (1 of 4 stars; one submission).

Conditions:
Mitochondrial hypertrophic cardiomyopathy with lactic acidosis due to MTO1 deficiency. Also called: CARDIOMYOPATHY, INFANTILE HYPERTROPHIC MITOCHONDRIAL, AND LACTIC ACIDOSIS; Combined oxidative phosphorylation deficiency 10. Identifiers: Orphanet 314637, MedGen C4749921, MONDO:0013865, OMIM 614702.

Allele frequency attached by ClinVar (database versions not stated): gnomAD exomes below 0.00001; gnomAD 0.00001.
gnomAD v4.1: 3 of 1,614,018 alleles (0.00019%); highest among the groups gnomAD compares: East Asian, 0.0067%; no homozygotes.

Submission:

Labcorp Genetics (formerly Invitae), Labcorp
Classification: Uncertain significance for Mitochondrial hypertrophic cardiomyopathy with lactic acidosis due to MTO1 deficiency. Last evaluated: 2023-10-03. Review status: criteria provided, single submitter. Criteria: Invitae Variant Classification Sherloc (09022015). Collection method: clinical testing. Allele origin: germline.
Comment: This sequence change replaces valine, which is neutral and non-polar, with isoleucine, which is neutral and non-polar, at codon 332 of the MTO1 protein (p.Val332Ile). This variant is present in population databases (no rsID available, gnomAD 0.01%). This variant has not been reported in the literature in individuals affected with MTO1-related conditions. ClinVar contains an entry for this variant (Variation ID: 971633). Advanced modeling of protein sequence and biophysical properties (such as structural, functional, and spatial information, amino acid conservation, physicochemical variation, residue mobility, and thermodynamic stability) performed at Invitae indicates that this missense variant is not expected to disrupt MTO1 protein function. In summary, the available evidence is currently insufficient to determine the role of this variant in disease. Therefore, it has been classified as a Variant of Uncertain Significance.